The following is an entry in ClinVar:

ClinVar aggregate classification (germline): Likely benign (0 of 4 stars; one submission).

Conditions:
HDAC4-related disorder. Also called: HDAC4-related condition.

gnomAD v4.1: 18 of 1,613,000 alleles (0.0011%); highest among the groups gnomAD compares: African/African-American, 0.015%; no homozygotes.

Submission:

PreventionGenetics, part of Exact Sciences
Classification: Likely benign for HDAC4-related condition. Last evaluated: 2019-06-03. Review status: no assertion criteria provided. Collection method: clinical testing. Allele origin: germline.
Comment: This variant is classified as likely benign based on ACMG/AMP sequence variant interpretation guidelines (Richards et al. 2015 PMID: 25741868, with internal and published modifications).

NM_001378414.1(HDAC4):c.2874C>T (p.Phe958=)

Gene: HDAC4 (histone deacetylase 4; minus strand). Cytogenetic location: 2q37.3.
Variant type: single nucleotide variant.
Coding change: c.2874C>T on transcript NM_001378414.1 (MANE Select); coding-DNA position 2874, C replaced by T.
Protein change: p.Phe958=; no amino-acid change (phenylalanine 958 retained).
Molecular consequence: synonymous variant.
Genome position (GRCh38, 1-based): chr2:239,066,851, G>A on the plus strand (C>T on the coding strand, the complement: HDAC4 is on the minus strand). VCF-style: chr2-239066851-G-A. GRCh37 (hg19) VCF-style: chr2-239988547-G-A.
Other names: c.2874C>T, p.Phe958= (NM_001378415.1); c.2859C>T, p.Phe953= (NM_001378416.1, NM_001378417.1, NM_006037.4).
Identifiers: ClinVar variation 3350408 (VCV003350408.1).